The following is an entry in ClinVar:

NM_000307.5(POU3F4):c.509dup (p.Asp171fs)

Gene: POU3F4 (POU class 3 homeobox 4; plus strand). Cytogenetic location: Xq21.1.
Variant type: Duplication.
Coding change: c.509dup on transcript NM_000307.5 (MANE Select); coding-DNA position 509, one base duplicated (C; older notation c.509dupC).
Protein change: p.Asp171fs; shifts the reading frame from aspartic acid 171.
Molecular consequence: frameshift variant.
Genome position (GRCh38, 1-based): chrX:83,508,833, C duplicated; the last of 5 consecutive C bases (chrX:83,508,829-83,508,833); duplicating any one gives the same sequence. VCF-style (leftmost placement, unchanged base first): chrX-83508828-G-GC. GRCh37 (hg19) VCF-style: chrX-82763836-G-GC.
Other names: short protein forms D171fs.
Identifiers: ClinVar variation 3601664 (VCV003601664.1).

ClinVar aggregate classification (germline): Pathogenic (1 of 4 stars; one submission).

Conditions:
X-linked mixed hearing loss with perilymphatic gusher. Also called: Deafness, X-linked 2; NANCE DEAFNESS; PERILYMPHATIC GUSHER-DEAFNESS SYNDROME; SENSORINEURAL DEAFNESS, PROFOUND, WITH OR WITHOUT A CONDUCTIVE COMPONENT, ASSOCIATED WITH A UNIQUE DEVELOPMENTAL ABNORMALITY OF THE EAR; Gusher syndrome. Identifiers: Orphanet 383, MedGen C1844678, MONDO:0010576, OMIM 304400.

Submission:

Institute of Rare Diseases, West China Hospital, Sichuan University
Classification: Pathogenic for X-linked mixed hearing loss with perilymphatic gusher. Last evaluated: 2025-01-09. Review status: criteria provided, single submitter. Criteria: ClinGen HL ACMG Specifications v1. Collection method: research. Allele origin: germline. Affected: yes.
Comment: PVS1;PM3_Supporting;PM2_Supporting